The following is an entry in ClinVar:

NM_001447.3(FAT2):c.8517C>A (p.Asp2839Glu)

Genes: FAT2 (FAT atypical cadherin 2; minus strand), SLC36A1 (solute carrier family 36 member 1; plus strand). Cytogenetic location: 5q33.1.
Variant type: single nucleotide variant.
Coding change: c.8517C>A on transcript NM_001447.3 (MANE Select); coding-DNA position 8517, C replaced by A.
Protein change: p.Asp2839Glu; replaces aspartic acid 2839 with glutamic acid.
Molecular consequence: missense variant.
Genome position (GRCh38, 1-based): chr5:151,542,610, G>T on the plus strand (C>A on the coding strand, the complement: FAT2 is on the minus strand). VCF-style: chr5-151542610-G-T. GRCh37 (hg19) VCF-style: chr5-150922171-G-T.
Other names: c.8517C>A (NM_001447.2); short protein forms D2839E.
Identifiers: ClinVar variation 2732406 (VCV002732406.4), dbSNP rs143448074, ClinGen allele CA3520795.

ClinVar aggregate classification (germline): Conflicting classifications of pathogenicity. Review status: criteria provided, conflicting classifications (1 of 4 stars). 2 submissions from 2 submitters: Uncertain significance (1); Likely benign (1). Last evaluated 2023-12-13.

Allele frequency attached by ClinVar (database versions not stated): gnomAD 0.00004; TOPMed 0.00006.
gnomAD v4.1: 92 of 1,614,084 alleles (0.0057%); highest among the groups gnomAD compares: Admixed American, 0.012%; no homozygotes.

Submissions (2):

Ambry Genetics
Classification: Likely benign. Last evaluated: 2023-12-13. Review status: criteria provided, single submitter. Criteria: Ambry Variant Classification Scheme 2023. Collection method: clinical testing. Allele origin: germline.

Labcorp Genetics (formerly Invitae), Labcorp
Classification: Uncertain significance. Last evaluated: 2023-11-07. Review status: criteria provided, single submitter. Criteria: Invitae Variant Classification Sherloc (09022015). Collection method: clinical testing. Allele origin: germline.
Comment: This sequence change replaces aspartic acid, which is acidic and polar, with glutamic acid, which is acidic and polar, at codon 2839 of the FAT2 protein (p.Asp2839Glu). This variant is present in population databases (rs143448074, gnomAD 0.01%). This variant has not been reported in the literature in individuals affected with FAT2-related conditions. Algorithms developed to predict the effect of missense changes on protein structure and function output the following: SIFT: "Not Available"; PolyPhen-2: "Benign"; Align-GVGD: "Not Available". The glutamic acid amino acid residue is found in multiple mammalian species, which suggests that this missense change does not adversely affect protein function. In summary, the available evidence is currently insufficient to determine the role of this variant in disease. Therefore, it has been classified as a Variant of Uncertain Significance.